The following is an entry in ClinVar:

NM_001012759.3(CTU2):c.474G>A (p.Ser158=)

Gene: CTU2 (cytosolic thiouridylase subunit 2; plus strand). Cytogenetic location: 16q24.3.
Variant type: single nucleotide variant.
Coding change: c.474G>A on transcript NM_001012759.3 (MANE Select); coding-DNA position 474, G replaced by A.
Protein change: p.Ser158=; no amino-acid change (serine 158 retained).
Molecular consequence: synonymous variant.
Genome position (GRCh38, 1-based): chr16:88,712,642, G>A. VCF-style: chr16-88712642-G-A. GRCh37 (hg19) VCF-style: chr16-88779050-G-A.
Other names: c.474G>A, p.Ser158= (NM_001012762.3); c.687G>A, p.Ser229= (NM_001318507.2); c.213G>A, p.Ser71= (NM_001318513.2); c.474G>A (NM_001012759.2).
Identifiers: ClinVar variation 2055160 (VCV002055160.29), dbSNP rs759082825, ClinGen allele CA8230361.

ClinVar aggregate classification (germline): Likely benign. Review status: criteria provided, multiple submitters, no conflicts (2 of 4 stars). 3 submissions from 3 submitters: Likely benign (2). 1 of the submissions does not count toward it. Last evaluated 2026-03-01.

Conditions:
CTU2-related disorder. Also called: CTU2-related condition.

Allele frequency attached by ClinVar (database versions not stated): gnomAD 0.00011; ExAC 0.00007; TOPMed 0.00007.

Submissions (3):

CeGaT Center for Human Genetics Tuebingen
Classification: Likely benign. Last evaluated: 2026-03-01. Review status: criteria provided, single submitter. Criteria: CeGaT Center For Human Genetics Tuebingen Variant Classification Criteria Version 2. Collection method: clinical testing. Allele origin: germline. Affected: yes. Observed: 2 variant alleles.
Comment: CTU2: BP4, BP7

Labcorp Genetics (formerly Invitae), Labcorp
Classification: Likely benign. Last evaluated: 2025-03-27. Review status: criteria provided, single submitter. Criteria: Invitae Variant Classification Sherloc (09022015). Collection method: clinical testing. Allele origin: germline.

PreventionGenetics, part of Exact Sciences
Classification: Likely benign for CTU2-related condition. Last evaluated: 2019-03-27. Review status: no assertion criteria provided. Collection method: clinical testing. Allele origin: germline. Not counted in ClinVar's aggregate classification.
Comment: This variant is classified as likely benign based on ACMG/AMP sequence variant interpretation guidelines (Richards et al. 2015 PMID: 25741868, with internal and published modifications).